The following is an entry in ClinVar:

NM_000062.3(SERPING1):c.1423C>T (p.Gln475Ter)

Gene: SERPING1 (serpin family G member 1; plus strand). Cytogenetic location: 11q12.1.
Variant type: single nucleotide variant.
Coding change: c.1423C>T on transcript NM_000062.3 (MANE Select); coding-DNA position 1423, C replaced by T.
Protein change: p.Gln475Ter; replaces glutamine 475 with a stop codon.
Molecular consequence: nonsense.
Genome position (GRCh38, 1-based): chr11:57,614,501, C>T. VCF-style: chr11-57614501-C-T. GRCh37 (hg19) VCF-style: chr11-57381974-C-T.
Other names: c.1423C>T, p.Gln475Ter (NM_001032295.2); short protein forms Q475*.
Identifiers: ClinVar variation 3242576 (VCV003242576.2), dbSNP rs2495458466.

ClinVar aggregate classification (germline): Pathogenic (1 of 4 stars; one submission).

Conditions:
Hereditary angioedema type 1 (HAE1). Identifiers: Orphanet 100050, Orphanet 100051, Orphanet 91378, MedGen C2717906, MONDO:0015053, OMIM 106100.

Submission:

DNA-diagnostics Laboratory, Research Centre For Medical Genetics
Classification: Pathogenic for Hereditary angioedema type 1. Last evaluated: 2024-06-01. Review status: criteria provided, single submitter. Criteria: ACMG Guidelines, 2015. Collection method: research. Allele origin: germline. Inheritance: Autosomal dominant inheritance. Affected: yes. Observed: 7 variant alleles, 7 heterozygotes.
Comment: According to our observation and the published information of Speletas et all, 2015 and Andrejević et al., 2015, the c.1423C>T variant in SERPING1 meets ACMG/ClinGen SVI guidance criteria to be classified as pathogenic: PP4_Str, PVS1_Mod, PS4_Mod, PM2_Sup, PP1

Literature cited by the submitters: PubMed 25258140; DOI 10.1371/journal.pone.0142174.